The following is an entry in ClinVar:

NM_000264.5(PTCH1):c.655-1G>T

Gene: PTCH1 (patched 1; minus strand). Cytogenetic location: 9q22.32.
Variant type: single nucleotide variant.
Coding change: c.655-1G>T on transcript NM_000264.5 (MANE Select); the canonical splice acceptor site of the intron before coding-DNA position 655, G replaced by T.
Molecular consequence: splice acceptor variant.
Genome position (GRCh38, 1-based): chr9:95,482,041, C>A on the plus strand (G>T on the coding strand, the complement: PTCH1 is on the minus strand). VCF-style: chr9-95482041-C-A. GRCh37 (hg19) VCF-style: chr9-98244323-C-A.
Other names: c.652-1G>T (NM_001083603.3); c.457-1G>T (NM_001083602.3, NM_001354919.2); c.655-1G>T (NM_001354918.2); c.202-1G>T (NM_001083605.3, NM_001083604.3, NM_001083606.3 and 1 more transcripts).
Identifiers: ClinVar variation 2505296 (VCV002505296.2), dbSNP rs2118467340, ClinGen allele CA374114995.
Genomic context (GRCh38, chr9:95,482,041, plus strand): 5'-CCCTTCCCAGAAGCAGTCCAAAGGTGTAATAATCAAACAAGGGTAAAGATATTCTATTAT[C>A]TGTCAAAGTTAAAAAGAAGAGGCCATGCGTTAGGTTAAGGCACACTACTGGGGTGTTCCT-3'

ClinVar aggregate classification (germline): Likely pathogenic (1 of 4 stars; one submission).

Conditions:
Gorlin syndrome. Also called: Nevoid Basal Cell Carcinoma Syndrome; Basal cell nevus syndrome. Identifiers: Orphanet 377, MedGen C0004779, MONDO:0007187.

Submission:

KCCC/NGS Laboratory, Kuwait Cancer Control Center
Classification: Likely pathogenic for Basal cell nevus syndrome 1. Last evaluated: 2023-06-14. Review status: criteria provided, single submitter. Criteria: ACMG Guidelines, 2015. Collection method: clinical testing. Allele origin: unknown. Inheritance: Autosomal dominant inheritance. Affected: yes.
Comment: This sequence change affects an acceptor splice site in intron 4 of the PTCH1 gene. It is expected to disrupt RNA splicing. Variants that disrupt the donor or acceptor splice site typically lead to a loss of protein function (PM1D: 16199547), and loss-offunction variants in PTCH1 are known to he pathogenic (PMID: 16301862, 16419085). This variant is not present in population databases (gnomAD no frequency). Disruption of this acceptor splice site ( c.655-2A>G) has been observed in individuals with basal cell nevus syndrome (PMID: 15712338, 29575684). Studies have shown that disruption of this splice site is associated w ith altered splicing resulting in skipping of exons 4 and 5 (PMID: 15712338). In summary, the currently available evidence indicates that the variant is pathogenic, but additional data are needed to prove that conclusively. Therefore, this variant has been classified as Likely Pathogenic. Pathogcnic/likely pathogenic variants in the PTCH1 gene cause Gorlin Syndrome, also known as Nevoid Basal Cell Carcinoma Syndrome (NBCCS).